The following is an entry in ClinVar:

NM_004329.3(BMPR1A):c.1261C>A (p.His421Asn)

Gene: BMPR1A (bone morphogenetic protein receptor type 1A; plus strand). Cytogenetic location: 10q23.2.
Variant type: single nucleotide variant.
Coding change: c.1261C>A on transcript NM_004329.3 (MANE Select); coding-DNA position 1261, C replaced by A.
Protein change: p.His421Asn; replaces histidine 421 with asparagine.
Molecular consequence: missense variant.
Genome position (GRCh38, 1-based): chr10:86,921,614, C>A. VCF-style: chr10-86921614-C-A. GRCh37 (hg19) VCF-style: chr10-88681371-C-A.
Other names: short protein forms H421N.
Identifiers: ClinVar variation 860594 (VCV000860594.11), dbSNP rs1554891338, ClinGen allele CA377462144.

ClinVar aggregate classification (germline): Uncertain significance. Review status: criteria provided, multiple submitters, no conflicts (2 of 4 stars). 2 submissions from 2 submitters: Uncertain significance (2). Last evaluated 2024-06-17.

Conditions:
Juvenile polyposis syndrome (JPS). Identifiers: Orphanet 2929, MedGen C0345893, MONDO:0017380, OMIM 174900.
Hereditary cancer-predisposing syndrome. Also called: Hereditary neoplastic syndrome; Tumor predisposition; Neoplastic Syndromes, Hereditary; Hereditary Cancer Syndrome. Identifiers: Orphanet 140162, MedGen C0027672, MeSH D009386, MONDO:0015356.

Submissions (2):

Ambry Genetics
Classification: Uncertain significance for Hereditary cancer-predisposing syndrome. Last evaluated: 2024-06-17. Review status: criteria provided, single submitter. Criteria: Ambry Variant Classification Scheme 2023. Collection method: clinical testing. Allele origin: germline.
Comment: The p.H421N variant (also known as c.1261C>A), located in coding exon 9 of the BMPR1A gene, results from a C to A substitution at nucleotide position 1261. The histidine at codon 421 is replaced by asparagine, an amino acid with similar properties. This amino acid position is conserved. In addition, this alteration is predicted to be tolerated by in silico analysis. Based on the available evidence, the clinical significance of this variant remains unclear.

Labcorp Genetics (formerly Invitae), Labcorp
Classification: Uncertain significance for Juvenile polyposis syndrome. Last evaluated: 2019-11-22. Review status: criteria provided, single submitter. Criteria: Invitae Variant Classification Sherloc (09022015). Collection method: clinical testing. Allele origin: germline.
Comment: In summary, the available evidence is currently insufficient to determine the role of this variant in disease. Therefore, it has been classified as a Variant of Uncertain Significance. Algorithms developed to predict the effect of missense changes on protein structure and function (SIFT, PolyPhen-2, Align-GVGD) all suggest that this variant is likely to be tolerated, but these predictions have not been confirmed by published functional studies and their clinical significance is uncertain. This variant has not been reported in the literature in individuals with BMPR1A-related conditions. This variant is not present in population databases (ExAC no frequency). This sequence change replaces histidine with asparagine at codon 421 of the BMPR1A protein (p.His421Asn). The histidine residue is moderately conserved and there is a small physicochemical difference between histidine and asparagine.